The following is an entry in ClinVar:

NM_004385.5(VCAN):c.3316C>G (p.Pro1106Ala)

Gene: VCAN (versican; plus strand). Cytogenetic location: 5q14.3.
Variant type: single nucleotide variant.
Coding change: c.3316C>G on transcript NM_004385.5 (MANE Select); coding-DNA position 3316, C replaced by G.
Protein change: p.Pro1106Ala; replaces proline 1106 with alanine.
Molecular consequence: missense variant. On other transcripts: intron variant (2).
Genome position (GRCh38, 1-based): chr5:83,521,622, C>G. VCF-style: chr5-83521622-C-G. GRCh37 (hg19) VCF-style: chr5-82817441-C-G.
Other names: c.3316C>G, p.Pro1106Ala (NM_001164098.2); c.1042+9226C>G (NM_001164097.2, NM_001126336.3); c.3316C>G (NM_004385.4); short protein forms P1106A.
Identifiers: ClinVar variation 2979491 (VCV002979491.5), dbSNP rs575858643, ClinGen allele CA360305800.

ClinVar aggregate classification (germline): Uncertain significance. Review status: criteria provided, multiple submitters, no conflicts (2 of 4 stars). 3 submissions from 3 submitters: Uncertain significance (3). Last evaluated 2024-10-13.

Conditions:
Inborn genetic diseases. Identifiers: MedGen C0950123, MeSH D030342.

Allele frequency attached by ClinVar (database versions not stated): gnomAD exomes 0.00002; TOPMed 0.00002.
gnomAD v4.1: 20 of 1,613,806 alleles (0.0012%); highest among the groups gnomAD compares: Non-Finnish European, 0.0016%; no homozygotes.

Submissions (3):

Labcorp Genetics (formerly Invitae), Labcorp
Classification: Uncertain significance. Last evaluated: 2024-10-13. Review status: criteria provided, single submitter. Criteria: Invitae Variant Classification Sherloc (09022015). Collection method: clinical testing. Allele origin: germline.
Comment: This sequence change replaces proline, which is neutral and non-polar, with alanine, which is neutral and non-polar, at codon 1106 of the VCAN protein (p.Pro1106Ala). This variant is not present in population databases (gnomAD no frequency). This variant has not been reported in the literature in individuals affected with VCAN-related conditions. An algorithm developed to predict the effect of missense changes on protein structure and function outputs the following: PolyPhen-2: "Benign". The alanine amino acid residue is found in multiple mammalian species, which suggests that this missense change does not adversely affect protein function. In summary, the available evidence is currently insufficient to determine the role of this variant in disease. Therefore, it has been classified as a Variant of Uncertain Significance.

Ambry Genetics
Classification: Uncertain significance for Inborn genetic diseases. Last evaluated: 2024-08-21. Review status: criteria provided, single submitter. Criteria: Ambry Variant Classification Scheme 2023. Collection method: clinical testing. Allele origin: germline.

Blueprint Genetics
Classification: Uncertain significance. Last evaluated: 2019-10-31. Review status: criteria provided, single submitter. Criteria: ACMG Guidelines, 2015. Collection method: clinical testing. Allele origin: germline.